The following is an entry in ClinVar:

ClinVar aggregate classification (germline): Uncertain significance (1 of 4 stars; one submission).

Submission:

GeneDx
Classification: Uncertain significance. Last evaluated: 2022-09-21. Review status: criteria provided, single submitter. Criteria: GeneDx Variant Classification Process June 2021. Collection method: clinical testing. Allele origin: germline. Affected: yes.
Comment: Not observed at significant frequency in large population cohorts (gnomAD); Nonsense variant predicted to result in protein truncation or nonsense mediated decay in a gene or region of a gene for which loss of function is not a well-established mechanism of disease; Has not been previously published as pathogenic or benign to our knowledge

NM_015981.4(CAMK2A):c.859_868del (p.Thr286_Val287insTer)

Gene: CAMK2A (calcium/calmodulin dependent protein kinase II alpha; minus strand). Cytogenetic location: 5q32.
Variant type: Deletion.
Coding change: c.859_868del on transcript NM_015981.4 (MANE Select); coding-DNA positions 859 to 868, 10 bases deleted (GTGGACTGCC; older notation c.859_868delGTGGACTGCC).
Protein change: p.Thr286_Val287insTer.
Molecular consequence: nonsense.
Genome position (GRCh38, 1-based): chr5:150,250,258-150,250,267, GGCAGTCCAC deleted on the plus strand (GTGGACTGCC on the coding strand, the reverse complement: CAMK2A is on the minus strand); deleting any 10 consecutive bases within chr5:150,250,258-150,250,269 gives the same sequence; the c. name uses the placement nearest the transcript's 3' end. VCF-style (leftmost placement, unchanged base first): chr5-150250257-AGGCAGTCCAC-A. GRCh37 (hg19) VCF-style: chr5-149629820-AGGCAGTCCAC-A.
Other names: c.859_868del, p.Thr286_Val287insTer (NM_001363989.1, NM_001363990.1, NM_001369025.2 and 1 more transcripts).
Identifiers: ClinVar variation 2446228 (VCV002446228.1), dbSNP rs2532310192, ClinGen allele CA2580073867.
Genomic context (GRCh38, chr5:150,250,257, plus strand): 5'-CAGGACTGTGGAGGGTGAGGACCTGTTACCTTCAGTTTCCTCCTGGCATTGAACTTCTTC[AGGCAGTCCAC>A]GGTCTCCTGTCTGTGCATGCAGGATGCCACGGTGGAGCGGTGCTGGAGGAAGTAGGGGAG-3'